The following is an entry in ClinVar:

ClinVar aggregate classification (germline): Uncertain significance. Review status: criteria provided, multiple submitters, no conflicts (2 of 4 stars). 2 submissions from 2 submitters: Uncertain significance (2). Last evaluated 2023-11-01.

Conditions:
Cowden syndrome (CS). Also called: Cowden's disease; Cowden's syndrome; Cowden disease. Identifiers: Orphanet 201, MedGen C0018553, MONDO:0016063. Disease mechanism: gain of function.
Inborn genetic diseases. Identifiers: MedGen C0950123, MeSH D030342.

Allele frequency attached by ClinVar (database versions not stated): gnomAD 0.00001.

Submissions (2):

Ambry Genetics
Classification: Uncertain significance for Inborn genetic diseases. Last evaluated: 2023-11-01. Review status: criteria provided, single submitter. Criteria: Ambry Variant Classification Scheme 2023. Collection method: clinical testing. Allele origin: germline.
Comment: The p.L523F variant (also known as c.1569A>C), located in coding exon 9 of the PIK3CA gene, results from an A to C substitution at nucleotide position 1569. The leucine at codon 523 is replaced by phenylalanine, an amino acid with highly similar properties. This amino acid position is conserved. In addition, this alteration is predicted to be tolerated by in silico analysis. Since supporting evidence is limited at this time, the clinical significance of this alteration remains unclear.

Labcorp Genetics (formerly Invitae), Labcorp
Classification: Uncertain significance for Cowden syndrome. Last evaluated: 2022-05-27. Review status: criteria provided, single submitter. Criteria: Invitae Variant Classification Sherloc (09022015). Collection method: clinical testing. Allele origin: germline.
Comment: This sequence change replaces leucine, which is neutral and non-polar, with phenylalanine, which is neutral and non-polar, at codon 523 of the PIK3CA protein (p.Leu523Phe). In summary, the available evidence is currently insufficient to determine the role of this variant in disease. Therefore, it has been classified as a Variant of Uncertain Significance. Advanced modeling of protein sequence and biophysical properties (such as structural, functional, and spatial information, amino acid conservation, physicochemical variation, residue mobility, and thermodynamic stability) performed at Invitae indicates that this missense variant is not expected to disrupt PIK3CA protein function. This variant has not been reported in the literature in individuals affected with PIK3CA-related conditions. This variant is present in population databases (no rsID available, gnomAD 0.006%).

NM_006218.4(PIK3CA):c.1569A>C (p.Leu523Phe)

Gene: PIK3CA (phosphatidylinositol-4,5-bisphosphate 3-kinase catalytic subunit alpha; plus strand). Cytogenetic location: 3q26.32.
Variant type: single nucleotide variant.
Coding change: c.1569A>C on transcript NM_006218.4 (MANE Select); coding-DNA position 1569, A replaced by C.
Protein change: p.Leu523Phe; replaces leucine 523 with phenylalanine.
Molecular consequence: missense variant.
Genome position (GRCh38, 1-based): chr3:179,218,239, A>C. VCF-style: chr3-179218239-A-C. GRCh37 (hg19) VCF-style: chr3-178936027-A-C.
Other names: short protein forms L523F.
Identifiers: ClinVar variation 1775427 (VCV001775427.7), dbSNP rs1423200481, ClinGen allele CA355264693.